The following is an entry in ClinVar:

ClinVar aggregate classification (germline): Likely benign. Review status: criteria provided, multiple submitters, no conflicts (2 of 4 stars). 2 submissions from 2 submitters: Likely benign (2). Last evaluated 2025-01-27.

Conditions:
Bethlem myopathy 1A. Also called: Bethlem Muscular Dystrophy; Bethlem myopathy 1; MYOPATHY, BENIGN CONGENITAL, WITH CONTRACTURES. Identifiers: Orphanet 610, MedGen CN029274, MONDO:0024530, OMIM 158810.

Allele frequency attached by ClinVar (database versions not stated): gnomAD 0.00001; gnomAD exomes 0.00002; ExAC 0.00004; ESP Exome Variant Server 0.00008.
gnomAD v4.1: 36 of 1,614,096 alleles (0.0022%); highest among the groups gnomAD compares: Middle Eastern, 0.082%; no homozygotes.

Submissions (2):

Labcorp Genetics (formerly Invitae), Labcorp
Classification: Likely benign for Bethlem myopathy 1A. Last evaluated: 2025-01-27. Review status: criteria provided, single submitter. Criteria: Invitae Variant Classification Sherloc (09022015). Collection method: clinical testing. Allele origin: germline.

CeGaT Center for Human Genetics Tuebingen
Classification: Likely benign. Last evaluated: 2022-08-01. Review status: criteria provided, single submitter. Criteria: CeGaT Center For Human Genetics Tuebingen Variant Classification Criteria Version 2. Collection method: clinical testing. Allele origin: germline. Affected: yes. Observed: 2 variant alleles.
Comment: COL6A3: BP4, BP7

NM_004369.4(COL6A3):c.1812C>T (p.Ile604=)

Gene: COL6A3 (collagen type VI alpha 3 chain; minus strand). Cytogenetic location: 2q37.3.
Variant type: single nucleotide variant.
Coding change: c.1812C>T on transcript NM_004369.4 (MANE Select); coding-DNA position 1812, C replaced by T.
Protein change: p.Ile604=; no amino-acid change (isoleucine 604 retained).
Molecular consequence: synonymous variant.
Genome position (GRCh38, 1-based): chr2:237,381,000, G>A on the plus strand (C>T on the coding strand, the complement: COL6A3 is on the minus strand). VCF-style: chr2-237381000-G-A. GRCh37 (hg19) VCF-style: chr2-238289643-G-A.
Other names: c.591C>T, p.Ile197= (NM_057164.5, NM_057166.5); c.1194C>T, p.Ile398= (NM_057165.5, NM_057167.4).
Identifiers: ClinVar variation 932714 (VCV000932714.46), dbSNP rs138036318, ClinGen allele CA2189551.
Genomic context (GRCh38, chr2:237,381,000, plus strand): 5'-GAGAGGTGCCAGCAAGCCAGGCAGCATGCCTTGCAATGGGGCGGCTCGGAACTCAGCTGG[G>A]ATGAACACCAGGGAGGAGTCGAAAGCGATCTCTTCCAGCTCAGCCTGATCGGCACCCTTG-3'
Protein context (NP_004360.2, residues 594-614): EIAFDSSLVF[Ile604=]PAEFRAAPLQ